The following is an entry in ClinVar:

NM_001320752.2(STS):c.250G>A (p.Val84Ile)

Gene: STS (steroid sulfatase; plus strand). Cytogenetic location: Xp22.31.
Variant type: single nucleotide variant.
Coding change: c.250G>A on transcript NM_001320752.2 (MANE Select); coding-DNA position 250, G replaced by A.
Protein change: p.Val84Ile; replaces valine 84 with isoleucine.
Molecular consequence: missense variant.
Genome position (GRCh38, 1-based): chrX:7,257,354, G>A. VCF-style: chrX-7257354-G-A. GRCh37 (hg19) VCF-style: chrX-7175395-G-A.
Other names: c.250G>A, p.Val84Ile (NM_000351.7, NM_001320753.2, NM_001320754.2); c.286G>A, p.Val96Ile (NM_001320750.3, NM_001320751.2); short protein forms V84I, V96I.
Identifiers: ClinVar variation 520556 (VCV000520556.3), dbSNP rs1555956244, ClinGen allele CA412019632.

ClinVar aggregate classification (germline): Uncertain significance (1 of 4 stars; one submission).

Conditions:
Inborn genetic diseases. Identifiers: MedGen C0950123, MeSH D030342.

Submission:

Ambry Genetics
Classification: Uncertain significance for Hereditary disease. Last evaluated: 2016-04-14. Review status: criteria provided, single submitter. Criteria: ambry_reporting_categories_2017. Collection method: clinical testing. Allele origin: germline. Affected: yes. Observed: 1 heterozygote. Segregation with disease observed.
Comment: Lines of evidence used in support of classification: SUSPECTED CANDIDATE: Alteration(s) of Potential Clinical Relevance Detected